The following is an entry in ClinVar:

NM_020361.5(CPA6):c.905A>G (p.Glu302Gly)

Genes: ARFGEF1-DT (ARFGEF1 divergent transcript; plus strand), CPA6 (carboxypeptidase A6; minus strand). Cytogenetic location: 8q13.2.
Variant type: single nucleotide variant.
Coding change: c.905A>G on transcript NM_020361.5 (MANE Select); coding-DNA position 905, A replaced by G.
Protein change: p.Glu302Gly; replaces glutamic acid 302 with glycine.
Molecular consequence: missense variant.
Genome position (GRCh38, 1-based): chr8:67,434,174, T>C on the plus strand (A>G on the coding strand, the complement: CPA6 is on the minus strand). VCF-style: chr8-67434174-T-C. GRCh37 (hg19) VCF-style: chr8-68346409-T-C.
Other names: short protein forms E302G.
Identifiers: ClinVar variation 648185 (VCV000648185.1), dbSNP rs1587419865, ClinGen allele CA371260350.

ClinVar aggregate classification (germline): Uncertain significance (1 of 4 stars; one submission).

Conditions:
Febrile seizures, familial, 11 (FEB11). Also called: CONVULSIONS, FAMILIAL FEBRILE, 11. Identifiers: MedGen C3280734, MONDO:0024566, OMIM 614418.

Submission:

Labcorp Genetics (formerly Invitae), Labcorp
Classification: Uncertain significance for Febrile seizures, familial, 11. Last evaluated: 2018-10-22. Review status: criteria provided, single submitter. Criteria: Invitae Variant Classification Sherloc (09022015). Collection method: clinical testing. Allele origin: germline.
Comment: This sequence change replaces glutamic acid with glycine at codon 302 of the CPA6 protein (p.Glu302Gly). The glutamic acid residue is highly conserved and there is a moderate physicochemical difference between glutamic acid and glycine. This variant is not present in population databases (ExAC no frequency). This variant has not been reported in the literature in individuals with CPA6-related disease. Algorithms developed to predict the effect of missense changes on protein structure and function (SIFT, PolyPhen-2, Align-GVGD) all suggest that this variant is likely to be disruptive, but these predictions have not been confirmed by published functional studies and their clinical significance is uncertain. In summary, the available evidence is currently insufficient to determine the role of this variant in disease. Therefore, it has been classified as a Variant of Uncertain Significance.